The following is an entry in ClinVar:

NM_017780.4(CHD7):c.5743C>T (p.Arg1915Trp)

Gene: CHD7 (chromodomain helicase DNA binding protein 7; plus strand). Cytogenetic location: 8q12.2.
Variant type: single nucleotide variant.
Coding change: c.5743C>T on transcript NM_017780.4 (MANE Select); coding-DNA position 5743, C replaced by T.
Protein change: p.Arg1915Trp; replaces arginine 1915 with tryptophan.
Molecular consequence: missense variant. On other transcripts: intron variant (1).
Genome position (GRCh38, 1-based): chr8:60,852,096, C>T. VCF-style: chr8-60852096-C-T. GRCh37 (hg19) VCF-style: chr8-61764655-C-T.
Other names: c.1717-10133C>T (NM_001316690.1); short protein forms R1915W.
Identifiers: ClinVar variation 1391891 (VCV001391891.6), dbSNP rs2150807703, ClinGen allele CA371322616.

ClinVar aggregate classification (germline): Uncertain significance (1 of 4 stars; one submission).

Conditions:
CHARGE syndrome (CHARGE). Also called: Hittner Hirsch Kreh syndrome; CHARGE ASSOCIATION--COLOBOMA, HEART ANOMALY, CHOANAL ATRESIA, RETARDATION, GENITAL AND EAR ANOMALIES; Coloboma, heart anomaly, choanal atresia, retardation, genital and ear anomalies; CHARGE association; Hall-Hittner syndrome. Identifiers: Orphanet 138, MedGen C0265354, MONDO:0008965.

Submission:

Labcorp Genetics (formerly Invitae), Labcorp
Classification: Uncertain significance for CHARGE syndrome. Last evaluated: 2021-09-25. Review status: criteria provided, single submitter. Criteria: Invitae Variant Classification Sherloc (09022015). Collection method: clinical testing. Allele origin: germline.
Comment: Advanced modeling of protein sequence and biophysical properties (such as structural, functional, and spatial information, amino acid conservation, physicochemical variation, residue mobility, and thermodynamic stability) performed at Invitae indicates that this missense variant is expected to disrupt CHD7 protein function. In summary, the available evidence is currently insufficient to determine the role of this variant in disease. Therefore, it has been classified as a Variant of Uncertain Significance. This variant has not been reported in the literature in individuals affected with CHD7-related conditions. This variant is not present in population databases (ExAC no frequency). This sequence change replaces arginine with tryptophan at codon 1915 of the CHD7 protein (p.Arg1915Trp). The arginine residue is highly conserved and there is a moderate physicochemical difference between arginine and tryptophan.